The following is an entry in ClinVar:

NM_000051.4(ATM):c.6713A>C (p.Glu2238Ala)

Genes: ATM (ATM serine/threonine kinase; plus strand), C11orf65 (chromosome 11 open reading frame 65; minus strand). Cytogenetic location: 11q22.3.
Variant type: single nucleotide variant.
Coding change: c.6713A>C on transcript NM_000051.4 (MANE Select); coding-DNA position 6713, A replaced by C.
Protein change: p.Glu2238Ala; replaces glutamic acid 2238 with alanine.
Molecular consequence: missense variant. On other transcripts: intron variant (2).
Genome position (GRCh38, 1-based): chr11:108,325,450, A>C. VCF-style: chr11-108325450-A-C. GRCh37 (hg19) VCF-style: chr11-108196177-A-C.
Other names: c.6713A>C, p.Glu2238Ala (NM_001351834.2); c.641-16379T>G (NM_001330368.2); c.*38+9770T>G (NM_001351110.2); short protein forms E2238A.
Identifiers: ClinVar variation 1370825 (VCV001370825.6), dbSNP rs1591129372, ClinGen allele CA382555020.
Genomic context (GRCh38, chr11:108,325,450, plus strand): 5'-GTTTTCAGGAGCCTATCATGGCTCTACGCACAGTCATTTTGGAGATCCTGATGGAAAAGG[A>C]AATGGACAACTCACAAAGAGAATGTATTAAGGACATTCTCACCAAACACCTTGTAGAACT-3'
Protein context (NP_000042.3, residues 2228-2248): TVILEILMEK[Glu2238Ala]MDNSQRECIK

ClinVar aggregate classification (germline): Uncertain significance. Review status: criteria provided, multiple submitters, no conflicts (2 of 4 stars). 2 submissions from 2 submitters: Uncertain significance (2). Last evaluated 2022-05-24.

Conditions:
Ataxia-telangiectasia syndrome (AT). Also called: Ataxia-telangiectasia; LOUIS-BAR SYNDROME; Ataxia-telangiectasia, complementation group D; AT, COMPLEMENTATION GROUP C; ATAXIA-TELANGIECTASIA, COMPLEMENTATION GROUP A; ATAXIA-TELANGIECTASIA, FRESNO VARIANT. Identifiers: Orphanet 100, MedGen C0004135, MONDO:0008840, OMIM 208900.
Hereditary cancer-predisposing syndrome. Also called: Tumor predisposition; Neoplastic Syndromes, Hereditary; Hereditary Cancer Syndrome; Hereditary neoplastic syndrome. Identifiers: Orphanet 140162, MedGen C0027672, MeSH D009386, MONDO:0015356.

Allele frequency attached by ClinVar (database versions not stated): gnomAD exomes below 0.00001.
gnomAD v4.1: 2 of 1,613,842 alleles (0.00012%); highest among the groups gnomAD compares: African/African-American, 0.0027%; no homozygotes.

Submissions (2):

Ambry Genetics
Classification: Uncertain significance for Hereditary cancer-predisposing syndrome. Last evaluated: 2022-05-24. Review status: criteria provided, single submitter. Criteria: Ambry Variant Classification Scheme 2023. Collection method: clinical testing. Allele origin: germline.
Comment: The p.E2238A variant (also known as c.6713A>C), located in coding exon 45 of the ATM gene, results from an A to C substitution at nucleotide position 6713. The glutamic acid at codon 2238 is replaced by alanine, an amino acid with dissimilar properties. This amino acid position is conserved. In addition, this alteration is predicted to be tolerated by in silico analysis. Since supporting evidence is limited at this time, the clinical significance of this alteration remains unclear.

Labcorp Genetics (formerly Invitae), Labcorp
Classification: Uncertain significance for Ataxia-telangiectasia syndrome. Last evaluated: 2021-09-14. Review status: criteria provided, single submitter. Criteria: Invitae Variant Classification Sherloc (09022015). Collection method: clinical testing. Allele origin: germline.
Comment: This sequence change replaces glutamic acid with alanine at codon 2238 of the ATM protein (p.Glu2238Ala). The glutamic acid residue is moderately conserved and there is a moderate physicochemical difference between glutamic acid and alanine. This variant is not present in population databases (ExAC no frequency). This variant has not been reported in the literature in individuals affected with ATM-related conditions. Advanced modeling of protein sequence and biophysical properties (such as structural, functional, and spatial information, amino acid conservation, physicochemical variation, residue mobility, and thermodynamic stability) performed at Invitae indicates that this missense variant is not expected to disrupt ATM protein function. In summary, the available evidence is currently insufficient to determine the role of this variant in disease. Therefore, it has been classified as a Variant of Uncertain Significance.